The following is an entry in ClinVar:

ClinVar aggregate classification (germline): Likely pathogenic (1 of 4 stars; one submission).

Conditions:
Hereditary breast ovarian cancer syndrome. Also called: Hereditary breast and ovarian cancer; Hereditary breast and/or ovarian cancer syndrome; Hereditary breast and ovarian cancer syndrome (HBOC); Breast and ovarian cancer; Hereditary breast and ovarian cancer syndrome; BRCA1- and BRCA2-Associated Hereditary Breast and Ovarian Cancer. Identifiers: Orphanet 145, MedGen C0677776, MeSH D061325, MONDO:0003582. Disease mechanism: loss of function.

Submission:

Labcorp Genetics (formerly Invitae), Labcorp
Classification: Likely pathogenic for Hereditary breast ovarian cancer syndrome. Last evaluated: 2022-05-09. Review status: criteria provided, single submitter. Criteria: Invitae Variant Classification Sherloc (09022015). Collection method: clinical testing. Allele origin: germline.
Comment: In summary, the currently available evidence indicates that the variant is pathogenic, but additional data are needed to prove that conclusively. Therefore, this variant has been classified as Likely Pathogenic. This variant disrupts the p.Val1833 amino acid residue in BRCA1. Other variant(s) that disrupt this residue have been determined to be pathogenic (PMID: 10923033, 12142080, 16284991, 23536787, 30209399; Invitae). This suggests that this residue is clinically significant, and that variants that disrupt this residue are likely to be disease-causing. Experimental studies have shown that this missense change affects BRCA1 function (PMID: 30257991). Advanced modeling of protein sequence and biophysical properties (such as structural, functional, and spatial information, amino acid conservation, physicochemical variation, residue mobility, and thermodynamic stability) performed at Invitae indicates that this missense variant is expected to disrupt BRCA1 protein function. This variant has not been reported in the literature in individuals affected with BRCA1-related conditions. This variant is not present in population databases (gnomAD no frequency). This sequence change replaces valine, which is neutral and non-polar, with glycine, which is neutral and non-polar, at codon 1833 of the BRCA1 protein (p.Val1833Gly).

Literature cited by the submitters: PubMed 10923033; PubMed 12142080; PubMed 16284991; PubMed 23536787; PubMed 30209399; PubMed 30257991.

NM_007294.4(BRCA1):c.5498T>G (p.Val1833Gly)

Gene: BRCA1 (BRCA1 DNA repair associated; minus strand). Cytogenetic location: 17q21.31.
Variant type: single nucleotide variant.
Coding change: c.5498T>G on transcript NM_007294.4 (MANE Select); coding-DNA position 5498, T replaced by G.
Protein change: p.Val1833Gly; replaces valine 1833 with glycine.
Molecular consequence: missense variant. On other transcripts: 3 prime UTR variant (1), non-coding transcript variant (1).
Genome position (GRCh38, 1-based): chr17:43,045,772, A>C on the plus strand (T>G on the coding strand, the complement: BRCA1 is on the minus strand). VCF-style: chr17-43045772-A-C. GRCh37 (hg19) VCF-style: chr17-41197789-A-C.
Other names: c.5285T>G, p.Val1762Gly (NM_001407571.1, NM_001407894.1, NM_001407895.1 and 12 more transcripts); c.5564T>G, p.Val1855Gly (NM_001407581.1, NM_001407582.1); c.5561T>G, p.Val1854Gly (NM_001407583.1, NM_001407585.1, NM_001407587.1 and 1 more transcripts); c.5558T>G, p.Val1853Gly (NM_001407590.1, NM_001407591.1); c.5498T>G, p.Val1833Gly (NM_001407593.1, NM_001407594.1, NM_001407596.1 and 5 more transcripts); c.5495T>G, p.Val1832Gly (NM_001407610.1, NM_001407611.1, NM_001407612.1 and 14 more transcripts); c.5492T>G, p.Val1831Gly (NM_001407627.1, NM_001407628.1, NM_001407629.1 and 13 more transcripts); c.5489T>G, p.Val1830Gly (NM_001407644.1, NM_001407645.1); and 74 more; short protein forms V1679G, V1749G, V1762G, V1807G, V1814G, V1830G, V1854G, V1855G.
Identifiers: ClinVar variation 2135737 (VCV002135737.4), dbSNP rs587782340, ClinGen allele CA10590311.